The following is an entry in ClinVar:

NM_014363.6(SACS):c.2234G>A (p.Arg745His)

Gene: SACS (sacsin molecular chaperone; minus strand). Cytogenetic location: 13q12.12.
Variant type: single nucleotide variant.
Coding change: c.2234G>A on transcript NM_014363.6 (MANE Select); coding-DNA position 2234, G replaced by A.
Protein change: p.Arg745His; replaces arginine 745 with histidine.
Molecular consequence: missense variant.
Genome position (GRCh38, 1-based): chr13:23,341,642, C>T on the plus strand (G>A on the coding strand, the complement: SACS is on the minus strand). VCF-style: chr13-23341642-C-T. GRCh37 (hg19) VCF-style: chr13-23915781-C-T.
Other names: c.1793G>A, p.Arg598His (NM_001278055.2); short protein forms R745H, R598H.
Identifiers: ClinVar variation 458258 (VCV000458258.50), dbSNP rs143677534, ClinGen allele CA6911721.

ClinVar aggregate classification (germline): Conflicting classifications of pathogenicity. Review status: criteria provided, conflicting classifications (1 of 4 stars). 7 submissions from 7 submitters: Uncertain significance (1); Likely benign (5). 1 of the submissions does not count toward it. Last evaluated 2026-01-28.

Conditions:
Charlevoix-Saguenay spastic ataxia (SACS). Also called: SPASTIC ATAXIA 6, AUTOSOMAL RECESSIVE; Spastic ataxia of Charlevoix-Saguenay; AUTOSOMAL RECESSIVE SPASTIC ATAXIA OF CHARLEVOIX-SAGUENAY. Identifiers: Orphanet 98, MedGen C1849140, MONDO:0010041, OMIM 270550.
SACS-related disorder. Also called: SACS-related condition.
Spastic paraplegia. Identifiers: MedGen C0037772, HP:0001258.

Allele frequency attached by ClinVar (database versions not stated): gnomAD exomes 0.00008 and 0.00020; ExAC 0.00021; gnomAD 0.00062 and 0.00067; TOPMed 0.00087; ESP Exome Variant Server 0.00123.
gnomAD v4.1: 209 of 1,613,300 alleles (0.013%); highest among the groups gnomAD compares: African/African-American, 0.22%; no homozygotes.

Submissions (7):

Labcorp Genetics (formerly Invitae), Labcorp
Classification: Likely benign for Spastic paraplegia. Last evaluated: 2026-01-28. Review status: criteria provided, single submitter. Criteria: Invitae Variant Classification Sherloc (09022015). Collection method: clinical testing. Allele origin: germline.

PreventionGenetics, part of Exact Sciences
Classification: Likely benign for SACS-related condition. Last evaluated: 2026-01-13. Review status: criteria provided, single submitter. Criteria: ACMG Guidelines, 2015. Collection method: clinical testing. Allele origin: germline.
Comment: This variant is classified as likely benign based on ACMG/AMP sequence variant interpretation guidelines (Richards et al. 2015 PMID: 25741868, with internal and published modifications).

CeGaT Center for Human Genetics Tuebingen
Classification: Likely benign. Last evaluated: 2023-02-01. Review status: criteria provided, single submitter. Criteria: CeGaT Center For Human Genetics Tuebingen Variant Classification Criteria Version 2. Collection method: clinical testing. Allele origin: germline. Affected: yes. Observed: 1 variant allele.
Comment: SACS: BP1, BS2

Genome-Nilou Lab
Classification: Likely benign for Charlevoix-Saguenay spastic ataxia. Last evaluated: 2021-09-05. Review status: criteria provided, single submitter. Criteria: ACMG Guidelines, 2015. Collection method: clinical testing. Allele origin: germline. Affected: no.

Mayo Clinic Laboratories, Mayo Clinic
Classification: Uncertain significance. Last evaluated: 2019-10-14. Review status: criteria provided, single submitter. Criteria: ACMG Guidelines, 2015. Collection method: clinical testing. Allele origin: germline. Observed: 1 variant allele.

Athena Diagnostics
Classification: Likely benign. Last evaluated: 2019-04-12. Review status: criteria provided, single submitter. Criteria: Athena Diagnostics Criteria. Collection method: clinical testing. Allele origin: germline.

Natera, Inc.
Classification: Likely benign for Charlevoix-Saguenay type spastic ataxia. Last evaluated: 2020-09-16. Review status: no assertion criteria provided. Collection method: clinical testing. Allele origin: germline. Not counted in ClinVar's aggregate classification.